The following is an entry in ClinVar:

NM_153676.4(USH1C):c.535C>A (p.Pro179Thr)

Gene: USH1C (USH1 protein network component harmonin; minus strand). Cytogenetic location: 11p15.1.
Variant type: single nucleotide variant.
Coding change: c.535C>A on transcript NM_153676.4 (MANE Select); coding-DNA position 535, C replaced by A.
Protein change: p.Pro179Thr; replaces proline 179 with threonine.
Molecular consequence: missense variant. On other transcripts: non-coding transcript variant (1).
Genome position (GRCh38, 1-based): chr11:17,526,797, G>T on the plus strand (C>A on the coding strand, the complement: USH1C is on the minus strand). VCF-style: chr11-17526797-G-T. GRCh37 (hg19) VCF-style: chr11-17548344-G-T.
Other names: c.535C>A, p.Pro179Thr (NM_001297764.2, NM_005709.4); short protein forms P179T.
Identifiers: ClinVar variation 1348053 (VCV001348053.8), dbSNP rs2133895786, ClinGen allele CA379794503.

ClinVar aggregate classification (germline): Uncertain significance (1 of 4 stars; one submission).

Submission:

Labcorp Genetics (formerly Invitae), Labcorp
Classification: Uncertain significance. Last evaluated: 2021-04-23. Review status: criteria provided, single submitter. Criteria: Invitae Variant Classification Sherloc (09022015). Collection method: clinical testing. Allele origin: germline.
Comment: This sequence change replaces proline with threonine at codon 179 of the USH1C protein (p.Pro179Thr). The proline residue is moderately conserved and there is a small physicochemical difference between proline and threonine. This variant is not present in population databases (ExAC no frequency). In summary, the available evidence is currently insufficient to determine the role of this variant in disease. Therefore, it has been classified as a Variant of Uncertain Significance. Algorithms developed to predict the effect of missense changes on protein structure and function output the following: SIFT: "Tolerated"; PolyPhen-2: "Benign"; Align-GVGD: "Class C0". The threonine amino acid residue is found in multiple mammalian species, suggesting that this missense change does not adversely affect protein function. These predictions have not been confirmed by published functional studies and their clinical significance is uncertain. This variant has not been reported in the literature in individuals with USH1C-related conditions.